The following is an entry in ClinVar:

ClinVar aggregate classification (germline): Benign/Likely benign. Review status: criteria provided, multiple submitters, no conflicts (2 of 4 stars). 2 submissions from 2 submitters: Benign (1); Likely benign (1). Last evaluated 2026-07-02.

Conditions:
Sessile serrated polyposis cancer syndrome (SSPCS). Identifiers: Orphanet 157798, MedGen C4310714, MONDO:0014919, OMIM 617108.

gnomAD v4.1: 6 of 1,613,840 alleles (0.00037%); highest among the groups gnomAD compares: Admixed American, 0.0017%; no homozygotes.

Submissions (2):

Myriad Genetics, Inc.
Classification: Benign for Sessile serrated polyposis cancer syndrome. Last evaluated: 2026-07-02. Review status: criteria provided, single submitter. Criteria: Myriad Autosomal Dominant, Autosomal Recessive and X-Linked Classification Criteria (2023). Collection method: clinical testing. Allele origin: unknown.
Comment: This variant is considered benign. This variant is a silent/synonymous amino acid change and it is not expected to impact splicing.

Ambry Genetics
Classification: Likely benign. Last evaluated: 2024-12-08. Review status: criteria provided, single submitter. Criteria: Ambry Variant Classification Scheme 2023. Collection method: clinical testing. Allele origin: germline.

NM_017763.6(RNF43):c.2175G>A (p.Val725=)

Gene: RNF43 (ring finger protein 43; minus strand). Cytogenetic location: 17q22.
Variant type: single nucleotide variant.
Coding change: c.2175G>A on transcript NM_017763.6 (MANE Select); coding-DNA position 2175, G replaced by A.
Protein change: p.Val725=; no amino-acid change (valine 725 retained).
Molecular consequence: synonymous variant.
Genome position (GRCh38, 1-based): chr17:58,357,601, C>T on the plus strand (G>A on the coding strand, the complement: RNF43 is on the minus strand). VCF-style: chr17-58357601-C-T. GRCh37 (hg19) VCF-style: chr17-56434962-C-T.
Other names: c.2175G>A, p.Val725= (NM_001305544.3); c.1794G>A, p.Val598= (NM_001305545.2).
Identifiers: ClinVar variation 3434550 (VCV003434550.2).
Genomic context (GRCh38, chr17:58,357,601, plus strand): 5'-AGAAGGCCCCTCCCCAGGTGGATGTGGTTCCAGGGGCTGGCGAGGAGTCAGGCACAACCA[C>T]ACTGGCTGTGAATTTGAGTAACAGGGGCCTGGGGTTTCTGGTAGCAGCCTCTTGTCCAGG-3'
Protein context (NP_060233.3, residues 715-735): PGPCYSNSQP[Val725=]WLCLTPRQPL